The following is an entry in ClinVar:

ClinVar aggregate classification (germline): Uncertain significance (1 of 4 stars; one submission).

Allele frequency attached by ClinVar (database versions not stated): gnomAD exomes below 0.00001.
gnomAD v4.1: 4 of 1,602,098 alleles (0.00025%); highest among the groups gnomAD compares: Admixed American, 0.0018%; no homozygotes.

Submission:

Ambry Genetics
Classification: Uncertain significance. Last evaluated: 2023-04-23. Review status: criteria provided, single submitter. Criteria: Ambry Variant Classification Scheme 2023. Collection method: clinical testing. Allele origin: germline.
Comment: The p.V1435A variant (also known as c.4304T>C), located in coding exon 16 of the POLQ gene, results from a T to C substitution at nucleotide position 4304. The valine at codon 1435 is replaced by alanine, an amino acid with similar properties. This amino acid position is conserved. In addition, this alteration is predicted to be tolerated by in silico analysis. Since supporting evidence is limited at this time, the clinical significance of this alteration remains unclear.

NM_199420.4(POLQ):c.4304T>C (p.Val1435Ala)

Gene: POLQ (DNA polymerase theta; minus strand). Cytogenetic location: 3q13.33.
Variant type: single nucleotide variant.
Coding change: c.4304T>C on transcript NM_199420.4 (MANE Select); coding-DNA position 4304, T replaced by C.
Protein change: p.Val1435Ala; replaces valine 1435 with alanine.
Molecular consequence: missense variant.
Genome position (GRCh38, 1-based): chr3:121,488,627, A>G on the plus strand (T>C on the coding strand, the complement: POLQ is on the minus strand). VCF-style: chr3-121488627-A-G. GRCh37 (hg19) VCF-style: chr3-121207474-A-G.
Other names: short protein forms V1435A.
Identifiers: ClinVar variation 2561751 (VCV002561751.2), dbSNP rs2546786032, ClinGen allele CA354095438.
Genomic context (GRCh38, chr3:121,488,627, plus strand): 5'-ACAGTTTCTTGTGTTTGATAACCTTGAAGAAAACTATTTAATTGTGAATCAGTAACAGAA[A>G]CTTCATTCTTTTTTAAAAAAAGACCATTTTCCTCCAATAGTATTGGAGAATGGAAAATCG-3'
Protein context (NP_955452.3, residues 1425-1445): ENGLFLKKNE[Val1435Ala]SVTDSQLNSF